The following is an entry in ClinVar:

ClinVar aggregate classification (germline): Uncertain significance. Review status: criteria provided, multiple submitters, no conflicts (2 of 4 stars). 2 submissions from 2 submitters: Uncertain significance (2). Last evaluated 2025-02-18.

Conditions:
Primary ciliary dyskinesia. Also called: Ciliary dyskinesia. Identifiers: Orphanet 244, MedGen C0008780, MONDO:0016575, HP:0012265.

Allele frequency attached by ClinVar (database versions not stated): gnomAD exomes below 0.00001; gnomAD 0.00004 and 0.00006; TOPMed 0.00007.
gnomAD v4.1: 32 of 1,613,750 alleles (0.002%); highest among the groups gnomAD compares: African/African-American, 0.008%; no homozygotes.

Submissions (2):

Ambry Genetics
Classification: Uncertain significance for Primary ciliary dyskinesia. Last evaluated: 2025-02-18. Review status: criteria provided, single submitter. Criteria: Ambry Variant Classification Scheme 2023. Collection method: clinical testing. Allele origin: germline.

Labcorp Genetics (formerly Invitae), Labcorp
Classification: Uncertain significance for Primary ciliary dyskinesia. Last evaluated: 2021-08-13. Review status: criteria provided, single submitter. Criteria: Invitae Variant Classification Sherloc (09022015). Collection method: clinical testing. Allele origin: germline.
Comment: This sequence change replaces aspartic acid with glycine at codon 38 of the CCDC40 protein (p.Asp38Gly). The aspartic acid residue is moderately conserved and there is a moderate physicochemical difference between aspartic acid and glycine. This variant is not present in population databases (ExAC no frequency). This variant has not been reported in the literature in individuals affected with CCDC40-related conditions. Algorithms developed to predict the effect of missense changes on protein structure and function (SIFT, PolyPhen-2, Align-GVGD) all suggest that this variant is likely to be tolerated. In summary, the available evidence is currently insufficient to determine the role of this variant in disease. Therefore, it has been classified as a Variant of Uncertain Significance.

NM_017950.4(CCDC40):c.113A>G (p.Asp38Gly)

Gene: CCDC40 (coiled-coil domain 40 molecular ruler complex subunit; plus strand). Cytogenetic location: 17q25.3.
Variant type: single nucleotide variant.
Coding change: c.113A>G on transcript NM_017950.4 (MANE Select); coding-DNA position 113, A replaced by G.
Protein change: p.Asp38Gly; replaces aspartic acid 38 with glycine.
Molecular consequence: missense variant.
Genome position (GRCh38, 1-based): chr17:80,039,831, A>G. VCF-style: chr17-80039831-A-G. GRCh37 (hg19) VCF-style: chr17-78013630-A-G.
Other names: c.113A>G, p.Asp38Gly (NM_001243342.2, NM_001330508.2); short protein forms D38G.
Identifiers: ClinVar variation 407760 (VCV000407760.7), dbSNP rs1060501718, ClinGen allele CA16615744.